The following is an entry in ClinVar:

ClinVar aggregate classification (germline): Benign/Likely benign. Review status: criteria provided, multiple submitters, no conflicts (2 of 4 stars). 13 submissions from 13 submitters: Benign (3); Likely benign (7). 3 of the submissions do not count toward it. Last evaluated 2026-09-01.

Conditions:
Collagen 6-related myopathy. Identifiers: MedGen CN117976, MONDO:0100225.
Bethlem myopathy 1A. Also called: MYOPATHY, BENIGN CONGENITAL, WITH CONTRACTURES; Bethlem Muscular Dystrophy; Bethlem myopathy 1. Identifiers: Orphanet 610, MedGen CN029274, MONDO:0024530, OMIM 158810.

Allele frequency attached by ClinVar (database versions not stated): 1000 Genomes Project 0.00080; 1000 Genomes Project 30x 0.00109; TOPMed 0.00229; gnomAD exomes 0.00240 and 0.00403; ExAC 0.00263; gnomAD 0.00295 and 0.00310; ESP Exome Variant Server 0.00308.
gnomAD v4.1: 6,267 of 1,612,882 alleles (0.39%); highest among the groups gnomAD compares: Non-Finnish European, 0.48%; 13 homozygotes.

Submissions (13):

CeGaT Center for Human Genetics Tuebingen
Classification: Likely benign. Last evaluated: 2026-09-01. Review status: criteria provided, single submitter. Criteria: CeGaT Center For Human Genetics Tuebingen Variant Classification Criteria Version 2. Collection method: clinical testing. Allele origin: germline. Affected: yes. Observed: 14 variant alleles.
Comment: COL6A1: BP4, BS2

Labcorp Genetics (formerly Invitae), Labcorp
Classification: Likely benign for Bethlem myopathy 1A. Last evaluated: 2026-01-22. Review status: criteria provided, single submitter. Criteria: Invitae Variant Classification Sherloc (09022015). Collection method: clinical testing. Allele origin: germline.

Blueprint Genetics
Classification: Likely benign. Last evaluated: 2024-11-28. Review status: criteria provided, single submitter. Criteria: ACMG Guidelines, 2015. Collection method: clinical testing. Allele origin: germline.

Mayo Clinic Laboratories, Mayo Clinic
Classification: Benign. Last evaluated: 2024-10-30. Review status: criteria provided, single submitter. Criteria: ACMG Guidelines, 2015. Collection method: clinical testing. Allele origin: germline. Observed: 7 variant alleles.
Comment: BS1, BS2, BP4, BP7

GeneDx
Classification: Likely benign. Last evaluated: 2021-02-25. Review status: criteria provided, single submitter. Criteria: GeneDx Variant Classification Process June 2021. Collection method: clinical testing. Allele origin: germline. Affected: yes.

Illumina Laboratory Services, Illumina
Classification: Benign for Collagen VI-related myopathy. Last evaluated: 2018-01-13. Review status: criteria provided, single submitter. Criteria: ICSL Variant Classification Criteria 13 December 2019. Collection method: clinical testing. Allele origin: germline.
Comment: This variant was observed in the ICSL laboratory as part of a predisposition screen in an ostensibly healthy population. It had not been previously curated by ICSL or reported in the Human Gene Mutation Database (HGMD: prior to June 1st, 2018), and was therefore a candidate for classification through an automated scoring system. Utilizing variant allele frequency, disease prevalence and penetrance estimates, and inheritance mode, an automated score was calculated to assess if this variant is too frequent to cause the disease. Based on the score and internal cut-off values, a variant classified as benign is not then subjected to further curation. The score for this variant resulted in a classification of benign for this disease.

Center for Pediatric Genomic Medicine, Children's Mercy Hospital and Clinics
Classification: Likely benign. Last evaluated: 2016-10-13. Review status: criteria provided, single submitter. Criteria: ACMG Guidelines, 2015. Collection method: clinical testing. Allele origin: germline.
ClinVar note: Converted during submission from Likely Benign to Likely benign.

Eurofins Ntd Llc (ga)
Classification: Benign. Last evaluated: 2014-03-10. Review status: criteria provided, single submitter. Criteria: EGL Classification Definitions 2015. Collection method: clinical testing. Allele origin: germline. Observed: 1 variant allele, 1 heterozygote.

Breakthrough Genomics
Classification: Likely benign. Review status: criteria provided, single submitter. Criteria: ACMG Guidelines, 2015. Collection method: not provided. Allele origin: germline. Inheritance: Autosomal recessive inheritance. Affected: yes.

PreventionGenetics, part of Exact Sciences
Classification: Likely benign. Review status: criteria provided, single submitter. Criteria: ACMG Guidelines, 2015. Collection method: clinical testing. Allele origin: germline.

Clinical Genetics, Academic Medical Center
Classification: Benign. Review status: no assertion criteria provided. Collection method: clinical testing. Allele origin: germline. Affected: yes. Study: VKGL Data-share Consensus. Not counted in ClinVar's aggregate classification.

Genome Diagnostics Laboratory, University Medical Center Utrecht
Classification: Likely benign. Review status: no assertion criteria provided. Collection method: clinical testing. Allele origin: germline. Affected: yes. Study: VKGL Data-share Consensus. Not counted in ClinVar's aggregate classification.

Laboratory of Diagnostic Genome Analysis, Leiden University Medical Center (LUMC)
Classification: Likely benign. Review status: no assertion criteria provided. Collection method: clinical testing. Allele origin: germline. Affected: yes. Study: VKGL Data-share Consensus. Not counted in ClinVar's aggregate classification.

NM_001848.3(COL6A1):c.1182+3G>A

Gene: COL6A1 (collagen type VI alpha 1 chain; plus strand). Cytogenetic location: 21q22.3.
Variant type: single nucleotide variant.
Coding change: c.1182+3G>A on transcript NM_001848.3 (MANE Select); 3 bases into the intron after coding-DNA position 1182, G replaced by A.
Molecular consequence: intron variant.
Genome position (GRCh38, 1-based): chr21:45,992,075, G>A. VCF-style: chr21-45992075-G-A. GRCh37 (hg19) VCF-style: chr21-47411989-G-A.
Other names: p.?.
Identifiers: ClinVar variation 162526 (VCV000162526.68), dbSNP rs62215499, ClinGen allele CA179913.